The following is an entry in ClinVar:

NM_005732.4(RAD50):c.2165A>G (p.Lys722Arg)

Gene: RAD50 (RAD50 double strand break repair protein; plus strand). Cytogenetic location: 5q31.1.
Variant type: single nucleotide variant.
Coding change: c.2165A>G on transcript NM_005732.4 (MANE Select); coding-DNA position 2165, A replaced by G.
Protein change: p.Lys722Arg; replaces lysine 722 with arginine.
Molecular consequence: missense variant.
Genome position (GRCh38, 1-based): chr5:132,595,768, A>G. VCF-style: chr5-132595768-A-G. GRCh37 (hg19) VCF-style: chr5-131931460-A-G.
Other names: short protein forms K722R.
Identifiers: ClinVar variation 820828 (VCV000820828.13), dbSNP rs1173949737, ClinGen allele CA360950584.

ClinVar aggregate classification (germline): Uncertain significance. Review status: criteria provided, multiple submitters, no conflicts (2 of 4 stars). 2 submissions from 2 submitters: Uncertain significance (2). Last evaluated 2025-06-19.

Conditions:
Hereditary cancer-predisposing syndrome. Also called: Neoplastic Syndromes, Hereditary; Tumor predisposition; Hereditary Cancer Syndrome; Hereditary neoplastic syndrome. Identifiers: Orphanet 140162, MedGen C0027672, MeSH D009386, MONDO:0015356.

Allele frequency attached by ClinVar (database versions not stated): gnomAD exomes below 0.00001; gnomAD 0.00001; TOPMed 0.00003.
gnomAD v4.1: 1 of 1,613,226 alleles (0.000062%); highest among the groups gnomAD compares: Non-Finnish European, 0.000085%; no homozygotes.

Submissions (2):

Ambry Genetics
Classification: Uncertain significance for Hereditary cancer-predisposing syndrome. Last evaluated: 2025-06-19. Review status: criteria provided, single submitter. Criteria: Ambry Variant Classification Scheme 2023. Collection method: clinical testing. Allele origin: germline.
Comment: The p.K722R variant (also known as c.2165A>G), located in coding exon 13 of the RAD50 gene, results from an A to G substitution at nucleotide position 2165. The lysine at codon 722 is replaced by arginine, an amino acid with highly similar properties. This amino acid position is well conserved in available vertebrate species. In addition, this alteration is predicted to be tolerated by in silico analysis. Since supporting evidence is limited at this time, the clinical significance of this alteration remains unclear.

Labcorp Genetics (formerly Invitae), Labcorp
Classification: Uncertain significance for Hereditary cancer-predisposing syndrome. Last evaluated: 2025-05-09. Review status: criteria provided, single submitter. Criteria: Invitae Variant Classification Sherloc (09022015). Collection method: clinical testing. Allele origin: germline.
Comment: This sequence change replaces lysine, which is basic and polar, with arginine, which is basic and polar, at codon 722 of the RAD50 protein (p.Lys722Arg). The frequency data for this variant in the population databases is considered unreliable, as metrics indicate poor data quality at this position in the gnomAD database. This variant has not been reported in the literature in individuals affected with RAD50-related conditions. ClinVar contains an entry for this variant (Variation ID: 820828). Invitae Evidence Modeling of protein sequence and biophysical properties (such as structural, functional, and spatial information, amino acid conservation, physicochemical variation, residue mobility, and thermodynamic stability) indicates that this missense variant is not expected to disrupt RAD50 protein function with a negative predictive value of 80%. In summary, the available evidence is currently insufficient to determine the role of this variant in disease. Therefore, it has been classified as a Variant of Uncertain Significance.